The following is an entry in ClinVar:

NM_000059.4(BRCA2):c.8868dup (p.Gln2957fs)

Gene: BRCA2 (BRCA2 DNA repair associated; plus strand). Cytogenetic location: 13q13.1.
Variant type: Duplication.
Coding change: c.8868dup on transcript NM_000059.4 (MANE Select); coding-DNA position 8868, one base duplicated (A; older notation c.8868dupA).
Protein change: p.Gln2957fs; shifts the reading frame from glutamine 2957.
Molecular consequence: frameshift variant.
Genome position (GRCh38, 1-based): chr13:32,379,430, A duplicated; the last of 2 consecutive A bases (chr13:32,379,429-32,379,430); duplicating either gives the same sequence. VCF-style (leftmost placement, unchanged base first): chr13-32379428-G-GA. GRCh37 (hg19) VCF-style: chr13-32953565-G-GA.
Other names: c.8868dupA (NM_000059.3); short protein forms Q2957fs.
Identifiers: ClinVar variation 495511 (VCV000495511.7), dbSNP rs1555288386, ClinGen allele CA658683851.

ClinVar aggregate classification (germline): Pathogenic/Likely pathogenic. Review status: criteria provided, multiple submitters, no conflicts (2 of 4 stars). 2 submissions from 2 submitters: Pathogenic (1); Likely pathogenic (1). Last evaluated 2021-08-27.

Conditions:
Hereditary breast ovarian cancer syndrome. Also called: Breast and ovarian cancer; BRCA1- and BRCA2-Associated Hereditary Breast and Ovarian Cancer; Hereditary breast and ovarian cancer syndrome (HBOC); Hereditary breast and ovarian cancer; Hereditary breast and/or ovarian cancer syndrome; Hereditary breast and ovarian cancer syndrome. Identifiers: Orphanet 145, MedGen C0677776, MeSH D061325, MONDO:0003582. Disease mechanism: loss of function.

Submissions (2):

Labcorp Genetics (formerly Invitae), Labcorp
Classification: Pathogenic for Hereditary breast ovarian cancer syndrome. Last evaluated: 2021-08-27. Review status: criteria provided, single submitter. Criteria: Invitae Variant Classification Sherloc (09022015). Collection method: clinical testing. Allele origin: germline.
Comment: This sequence change creates a premature translational stop signal (p.Gln2957Thrfs*61) in the BRCA2 gene. It is expected to result in an absent or disrupted protein product. Loss-of-function variants in BRCA2 are known to be pathogenic (PMID: 20104584). This variant is not present in population databases (ExAC no frequency). For these reasons, this variant has been classified as Pathogenic. ClinVar contains an entry for this variant (Variation ID: 495511). This variant has not been reported in the literature in individuals affected with BRCA2-related conditions.

Women's Health and Genetics/Laboratory Corporation of America, LabCorp
Classification: Likely pathogenic for Hereditary breast ovarian cancer syndrome. Last evaluated: 2016-07-25. Review status: criteria provided, single submitter. Criteria: LabCorp Variant Classification Summary - May 2015. Collection method: clinical testing. Allele origin: germline.
Comment: Variant summary: The BRCA2 c.8868dupA (p.Gln2957Thrfs) variant results in a premature termination codon, predicted to cause a truncated or absent BRCA2 protein due to nonsense mediated decay, which are commonly known mechanisms for disease. Truncations downstream of this position have been classified as pathogenic by our laboratory (e.g. c.8902_8913delinsTCCC (p.Thr2968fs), c.8904delC (p.Val2969fs), and c.8930delA (p.Tyr2977fs). The variant of interest has not, to our knowledge, been reported in affected individuals via publications and/or reputable databases/clinical diagnostic laboratories; nor evaluated for functional impact by in vivo/vitro studies. Therefore, taking all available lines of evidence into consideration, the variant of interest has been classified as likely pathogenic until additional information becomes available.

Literature cited by the submitters: PubMed 20104584 (cited by Labcorp Genetics (formerly Invitae), Labcorp).